The following is an entry in ClinVar:

NM_172362.3(KCNH1):c.271G>A (p.Glu91Lys)

Gene: KCNH1 (potassium voltage-gated channel subfamily H member 1; minus strand). Cytogenetic location: 1q32.2.
Variant type: single nucleotide variant.
Coding change: c.271G>A on transcript NM_172362.3 (MANE Select); coding-DNA position 271, G replaced by A.
Protein change: p.Glu91Lys; replaces glutamic acid 91 with lysine.
Molecular consequence: missense variant.
Genome position (GRCh38, 1-based): chr1:211,103,535, C>T on the plus strand (G>A on the coding strand, the complement: KCNH1 is on the minus strand). VCF-style: chr1-211103535-C-T. GRCh37 (hg19) VCF-style: chr1-211276877-C-T.
Other names: c.271G>A, p.Glu91Lys (NM_002238.4); short protein forms E91K.
Identifiers: ClinVar variation 2876744 (VCV002876744.3), dbSNP rs1209598176, ClinGen allele CA344873619.
Genomic context (GRCh38, chr1:211,103,535, plus strand): 5'-CAGAATGGTCTCAATACTCACTGTTCTTCTTGTACATCAGAATTTCAAAGGAATTCATCT[C>T]ATAGTTCTCAAATGTTTGCCGCACTTTTTCAATCGTGTCTTTATCAGTCAGCTCCCCATA-3'
Protein context (NP_758872.1, residues 81-101): EKVRQTFENY[Glu91Lys]MNSFEILMYK

ClinVar aggregate classification (germline): Uncertain significance (1 of 4 stars; one submission).

Allele frequency attached by ClinVar (database versions not stated): gnomAD exomes below 0.00001; TOPMed below 0.00001.
gnomAD v4.1: 1 of 1,613,442 alleles (0.000062%); highest among the groups gnomAD compares: African/African-American, 0.0013%; no homozygotes.

Submission:

Labcorp Genetics (formerly Invitae), Labcorp
Classification: Uncertain significance. Last evaluated: 2023-06-18. Review status: criteria provided, single submitter. Criteria: Invitae Variant Classification Sherloc (09022015). Collection method: clinical testing. Allele origin: germline.
Comment: This sequence change replaces glutamic acid, which is acidic and polar, with lysine, which is basic and polar, at codon 91 of the KCNH1 protein (p.Glu91Lys). In summary, the available evidence is currently insufficient to determine the role of this variant in disease. Therefore, it has been classified as a Variant of Uncertain Significance. Advanced modeling of protein sequence and biophysical properties (such as structural, functional, and spatial information, amino acid conservation, physicochemical variation, residue mobility, and thermodynamic stability) performed at Invitae indicates that this missense variant is expected to disrupt KCNH1 protein function. This variant has not been reported in the literature in individuals affected with KCNH1-related conditions. This variant is present in population databases (no rsID available, gnomAD 0.007%).